The following is an entry in ClinVar:

NM_206996.4(SPAG17):c.3969T>A (p.Pro1323=)

Gene: SPAG17 (sperm associated antigen 17; minus strand). Cytogenetic location: 1p12.
Variant type: single nucleotide variant.
Coding change: c.3969T>A on transcript NM_206996.4 (MANE Select); coding-DNA position 3969, T replaced by A.
Protein change: p.Pro1323=; no amino-acid change (proline 1323 retained).
Molecular consequence: synonymous variant.
Genome position (GRCh38, 1-based): chr1:118,023,404, A>T on the plus strand (T>A on the coding strand, the complement: SPAG17 is on the minus strand). VCF-style: chr1-118023404-A-T. GRCh37 (hg19) VCF-style: chr1-118566027-A-T.
Identifiers: ClinVar variation 3057279 (VCV003057279.2), dbSNP rs188415695, ClinGen allele CA30171262.
Genomic context (GRCh38, chr1:118,023,404, plus strand): 5'-TTTCTGCTGAGAAATAGAGTCCATCAAATCTCCACTGTGAGGCGTTGCTGGCATTTCAGA[A>T]GGAGGACAAATAAGACCTGAATTGGGACTCCTGCTCACAGCACCATCTGCAAAGAGAATC-3'
Protein context (NP_996879.1, residues 1313-1333): RSPNSGLICP[Pro1323=]SEMPATPHSG

ClinVar aggregate classification (germline): Likely benign (0 of 4 stars; one submission).

Conditions:
SPAG17-related disorder. Also called: SPAG17-related condition.

Allele frequency attached by ClinVar (database versions not stated): gnomAD exomes below 0.00001; TOPMed below 0.00001.
gnomAD v4.1: 4 of 1,612,444 alleles (0.00025%); highest among the groups gnomAD compares: African/African-American, 0.0053%; no homozygotes.

Submission:

PreventionGenetics, part of Exact Sciences
Classification: Likely benign for SPAG17-related condition. Last evaluated: 2019-03-12. Review status: no assertion criteria provided. Collection method: clinical testing. Allele origin: germline.
Comment: This variant is classified as likely benign based on ACMG/AMP sequence variant interpretation guidelines (Richards et al. 2015 PMID: 25741868, with internal and published modifications).